The following is an entry in ClinVar:

NM_006063.3(KLHL41):c.266A>G (p.Lys89Arg)

Gene: KLHL41 (kelch like family member 41; plus strand). Cytogenetic location: 2q31.1.
Variant type: single nucleotide variant.
Coding change: c.266A>G on transcript NM_006063.3 (MANE Select); coding-DNA position 266, A replaced by G.
Protein change: p.Lys89Arg; replaces lysine 89 with arginine.
Molecular consequence: missense variant.
Genome position (GRCh38, 1-based): chr2:169,510,044, A>G. VCF-style: chr2-169510044-A-G. GRCh37 (hg19) VCF-style: chr2-170366554-A-G.
Other names: short protein forms K89R.
Identifiers: ClinVar variation 1952456 (VCV001952456.5), dbSNP rs1318936873, ClinGen allele CA349173851.

ClinVar aggregate classification (germline): Uncertain significance (1 of 4 stars; one submission).

Conditions:
Nemaline myopathy 9 (NEM9). Identifiers: MedGen C3810384, MONDO:0014326, OMIM 615731.

Submission:

Labcorp Genetics (formerly Invitae), Labcorp
Classification: Uncertain significance for Nemaline myopathy 9. Last evaluated: 2022-08-22. Review status: criteria provided, single submitter. Criteria: Invitae Variant Classification Sherloc (09022015). Collection method: clinical testing. Allele origin: germline.
Comment: In summary, the available evidence is currently insufficient to determine the role of this variant in disease. Therefore, it has been classified as a Variant of Uncertain Significance. Algorithms developed to predict the effect of missense changes on protein structure and function output the following: SIFT: "Tolerated"; PolyPhen-2: "Benign"; Align-GVGD: "Class C0". The arginine amino acid residue is found in multiple mammalian species, which suggests that this missense change does not adversely affect protein function. This variant has not been reported in the literature in individuals affected with KLHL41-related conditions. This variant is not present in population databases (gnomAD no frequency). This sequence change replaces lysine, which is basic and polar, with arginine, which is basic and polar, at codon 89 of the KLHL41 protein (p.Lys89Arg).